The following is an entry in ClinVar:

NM_022489.4(INF2):c.2778G>C (p.Glu926Asp)

Gene: INF2 (inverted formin 2; plus strand). Cytogenetic location: 14q32.33.
Variant type: single nucleotide variant.
Coding change: c.2778G>C on transcript NM_022489.4 (MANE Select); coding-DNA position 2778, G replaced by C.
Protein change: p.Glu926Asp; replaces glutamic acid 926 with aspartic acid.
Molecular consequence: missense variant.
Genome position (GRCh38, 1-based): chr14:104,713,209, G>C. VCF-style: chr14-104713209-G-C. GRCh37 (hg19) VCF-style: chr14-105179546-G-C.
Other names: c.2778G>C (NM_022489.3); c.2778G>C, p.Glu926Asp (NM_001031714.4, NM_001426862.1, NM_001426863.1 and 2 more transcripts); short protein forms E926D.
Identifiers: ClinVar variation 2938322 (VCV002938322.4), dbSNP rs1385413579, ClinGen allele CA391222614.

ClinVar aggregate classification (germline): Uncertain significance. Review status: criteria provided, multiple submitters, no conflicts (2 of 4 stars). 2 submissions from 2 submitters: Uncertain significance (2). Last evaluated 2024-06-11.

Conditions:
Charcot-Marie-Tooth disease dominant intermediate E. Also called: CHARCOT-MARIE-TOOTH NEUROPATHY WITH FOCAL SEGMENTAL GLOMERULONEPHRITIS. Identifiers: Orphanet 93114, MedGen C4302667, MONDO:0013758, OMIM 614455.
Focal segmental glomerulosclerosis 5 (FSGS5). Identifiers: Orphanet 656, MedGen C2750475, MONDO:0013191, OMIM 613237.

Submissions (2):

GeneDx
Classification: Uncertain significance. Last evaluated: 2024-06-11. Review status: criteria provided, single submitter. Criteria: GeneDx Variant Classification Process June 2021. Collection method: clinical testing. Allele origin: germline. Affected: yes.
Comment: Not observed at significant frequency in large population cohorts (gnomAD); In silico analysis indicates that this missense variant does not alter protein structure/function; Has not been previously published as pathogenic or benign to our knowledge

Labcorp Genetics (formerly Invitae), Labcorp
Classification: Uncertain significance for Charcot-Marie-Tooth disease dominant intermediate E; Focal segmental glomerulosclerosis 5. Last evaluated: 2023-05-31. Review status: criteria provided, single submitter. Criteria: Invitae Variant Classification Sherloc (09022015). Collection method: clinical testing. Allele origin: germline.
Comment: This sequence change replaces glutamic acid, which is acidic and polar, with aspartic acid, which is acidic and polar, at codon 926 of the INF2 protein (p.Glu926Asp). This variant is not present in population databases (gnomAD no frequency). This variant has not been reported in the literature in individuals affected with INF2-related conditions. Algorithms developed to predict the effect of missense changes on protein structure and function output the following: SIFT: "Not Available"; PolyPhen-2: "Not Available"; Align-GVGD: "Not Available". The aspartic acid amino acid residue is found in multiple mammalian species, which suggests that this missense change does not adversely affect protein function. In summary, the available evidence is currently insufficient to determine the role of this variant in disease. Therefore, it has been classified as a Variant of Uncertain Significance.